The following is an entry in ClinVar:

ClinVar aggregate classification (germline): Uncertain significance (1 of 4 stars; one submission).

Conditions:
Familial sleep-related hypermotor epilepsy. Also called: Autosomal Dominant Sleep-Related Hypermotor (Hyperkinetic) Epilepsy. Identifiers: Orphanet 98784, MedGen C3696898, MONDO:0000030.

Submission:

Labcorp Genetics (formerly Invitae), Labcorp
Classification: Uncertain significance. Last evaluated: 2022-03-19. Review status: criteria provided, single submitter. Criteria: Invitae Variant Classification Sherloc (09022015). Collection method: clinical testing. Allele origin: germline.
Comment: This sequence change replaces tryptophan, which is neutral and slightly polar, with serine, which is neutral and polar, at codon 94 of the CHRNB2 protein (p.Trp94Ser). In summary, the available evidence is currently insufficient to determine the role of this variant in disease. Therefore, it has been classified as a Variant of Uncertain Significance. Advanced modeling of protein sequence and biophysical properties (such as structural, functional, and spatial information, amino acid conservation, physicochemical variation, residue mobility, and thermodynamic stability) performed at Invitae indicates that this missense variant is expected to disrupt CHRNB2 protein function. This variant has not been reported in the literature in individuals affected with CHRNB2-related conditions. This variant is not present in population databases (gnomAD no frequency).

NM_000748.3(CHRNB2):c.281G>C (p.Trp94Ser)

Gene: CHRNB2 (cholinergic receptor nicotinic beta 2 subunit; plus strand). Cytogenetic location: 1q21.3.
Variant type: single nucleotide variant.
Coding change: c.281G>C on transcript NM_000748.3 (MANE Select); coding-DNA position 281, G replaced by C.
Protein change: p.Trp94Ser; replaces tryptophan 94 with serine.
Molecular consequence: missense variant.
Genome position (GRCh38, 1-based): chr1:154,570,283, G>C. VCF-style: chr1-154570283-G-C. GRCh37 (hg19) VCF-style: chr1-154542759-G-C.
Other names: short protein forms W94S.
Identifiers: ClinVar variation 1501381 (VCV001501381.8), dbSNP rs2101518911, ClinGen allele CA342629654.